The following is an entry in ClinVar:

NM_000937.5(POLR2A):c.5061C>T (p.Pro1687=)

Gene: POLR2A (RNA polymerase II subunit A; plus strand). Cytogenetic location: 17p13.1.
Variant type: single nucleotide variant.
Coding change: c.5061C>T on transcript NM_000937.5 (MANE Select); coding-DNA position 5061, C replaced by T.
Protein change: p.Pro1687=; no amino-acid change (proline 1687 retained).
Molecular consequence: synonymous variant.
Genome position (GRCh38, 1-based): chr17:7,513,325, C>T. VCF-style: chr17-7513325-C-T. GRCh37 (hg19) VCF-style: chr17-7416644-C-T.
Identifiers: ClinVar variation 2578778 (VCV002578778.26), dbSNP rs528731634, ClinGen allele CA8350490.

ClinVar aggregate classification (germline): Likely benign. Review status: criteria provided, multiple submitters, no conflicts (2 of 4 stars). 2 submissions from 2 submitters: Likely benign (2). Last evaluated 2023-07-01.

Allele frequency attached by ClinVar (database versions not stated): ExAC 0.00030; 1000 Genomes Project 0.00080; 1000 Genomes Project 30x 0.00094.

Submissions (2):

CeGaT Center for Human Genetics Tuebingen
Classification: Likely benign. Last evaluated: 2023-07-01. Review status: criteria provided, single submitter. Criteria: CeGaT Center For Human Genetics Tuebingen Variant Classification Criteria Version 2. Collection method: clinical testing. Allele origin: germline. Affected: yes. Observed: 1 variant allele.
Comment: POLR2A: BP4, BP7

Breakthrough Genomics
Classification: Likely benign. Review status: criteria provided, single submitter. Criteria: ACMG Guidelines, 2015. Collection method: not provided. Allele origin: germline. Inheritance: Autosomal dominant inheritance. Affected: yes.